The following is an entry in ClinVar:

ClinVar aggregate classification (germline): Uncertain significance (1 of 4 stars; one submission).

Conditions:
DK1-congenital disorder of glycosylation. Also called: DOLK-congenital disorder of glycosylation; Carbohydrate deficient glycoprotein syndrome type 1m; CDG Im; DK1 DEFICIENCY; DOLICHOL KINASE DEFICIENCY; CONGENITAL DISORDER OF GLYCOSYLATION, TYPE Im. Identifiers: Orphanet 91131, MedGen C1835849, MONDO:0012556, OMIM 610768.

Submission:

Labcorp Genetics (formerly Invitae), Labcorp
Classification: Uncertain significance for DK1-congenital disorder of glycosylation. Last evaluated: 2022-04-12. Review status: criteria provided, single submitter. Criteria: Invitae Variant Classification Sherloc (09022015). Collection method: clinical testing. Allele origin: germline.
Comment: This variant is not present in population databases (gnomAD no frequency). In summary, the available evidence is currently insufficient to determine the role of this variant in disease. Therefore, it has been classified as a Variant of Uncertain Significance. Algorithms developed to predict the effect of missense changes on protein structure and function (SIFT, PolyPhen-2, Align-GVGD) all suggest that this variant is likely to be tolerated. This variant has not been reported in the literature in individuals affected with DOLK-related conditions. This sequence change replaces leucine, which is neutral and non-polar, with isoleucine, which is neutral and non-polar, at codon 261 of the DOLK protein (p.Leu261Ile).

NM_014908.4(DOLK):c.781C>A (p.Leu261Ile)

Gene: DOLK (dolichol kinase; minus strand). Cytogenetic location: 9q34.11.
Variant type: single nucleotide variant.
Coding change: c.781C>A on transcript NM_014908.4 (MANE Select); coding-DNA position 781, C replaced by A.
Protein change: p.Leu261Ile; replaces leucine 261 with isoleucine.
Molecular consequence: missense variant.
Genome position (GRCh38, 1-based): chr9:128,946,523, G>T on the plus strand (C>A on the coding strand, the complement: DOLK is on the minus strand). VCF-style: chr9-128946523-G-T. GRCh37 (hg19) VCF-style: chr9-131708802-G-T.
Other names: short protein forms L261I.
Identifiers: ClinVar variation 2125475 (VCV002125475.4), dbSNP rs1397689799, ClinGen allele CA375122940.